The following is an entry in ClinVar:

NM_020975.6(RET):c.332T>G (p.Val111Gly)

Gene: RET (ret proto-oncogene; plus strand). Cytogenetic location: 10q11.21.
Variant type: single nucleotide variant.
Coding change: c.332T>G on transcript NM_020975.6 (MANE Select); coding-DNA position 332, T replaced by G.
Protein change: p.Val111Gly; replaces valine 111 with glycine.
Molecular consequence: missense variant.
Genome position (GRCh38, 1-based): chr10:43,100,717, T>G. VCF-style: chr10-43100717-T-G. GRCh37 (hg19) VCF-style: chr10-43596165-T-G.
Other names: c.332T>G, p.Val111Gly (NM_001406764.1, NM_001406765.1, NM_001406766.1 and 34 more transcripts); short protein forms V111G.
Identifiers: ClinVar variation 1730307 (VCV001730307.2), dbSNP rs1837622733, ClinGen allele CA376770595.

ClinVar aggregate classification (germline): Uncertain significance (1 of 4 stars; one submission).

Conditions:
Hereditary cancer-predisposing syndrome. Also called: Neoplastic Syndromes, Hereditary; Tumor predisposition; Hereditary Cancer Syndrome; Hereditary neoplastic syndrome. Identifiers: Orphanet 140162, MedGen C0027672, MeSH D009386, MONDO:0015356.

Submission:

Ambry Genetics
Classification: Uncertain significance for Hereditary cancer-predisposing syndrome. Last evaluated: 2020-06-11. Review status: criteria provided, single submitter. Criteria: Ambry Variant Classification Scheme 2023. Collection method: clinical testing. Allele origin: germline.
Comment: The p.V111G variant (also known as c.332T>G), located in coding exon 2 of the RET gene, results from a T to G substitution at nucleotide position 332. The valine at codon 111 is replaced by glycine, an amino acid with dissimilar properties. This amino acid position is poorly conserved in available vertebrate species. In addition, this alteration is predicted to be tolerated by in silico analysis. Since supporting evidence is limited at this time, the clinical significance of this alteration remains unclear.